The following is an entry in ClinVar:

NM_007294.4(BRCA1):c.2934T>G (p.Tyr978Ter)

Gene: BRCA1 (BRCA1 DNA repair associated; minus strand). Cytogenetic location: 17q21.31.
Variant type: single nucleotide variant.
Coding change: c.2934T>G on transcript NM_007294.4 (MANE Select); coding-DNA position 2934, T replaced by G.
Protein change: p.Tyr978Ter; replaces tyrosine 978 with a stop codon.
Molecular consequence: nonsense. On other transcripts: intron variant (137).
Genome position (GRCh38, 1-based): chr17:43,092,597, A>C on the plus strand (T>G on the coding strand, the complement: BRCA1 is on the minus strand). VCF-style: chr17-43092597-A-C. GRCh37 (hg19) VCF-style: chr17-41244614-A-C.
Other names: p.Y978*:TAT>TAG; 3053T>G; c.671-1565T>G (NM_001408420.1, NM_001408419.1, NM_001408422.1 and 2 more transcripts); c.788-1565T>G (NM_001408404.1, NM_001408472.1, NM_001407990.1 and 17 more transcripts); c.788-458T>G (NM_001407969.1, NM_001407968.1); c.578-1565T>G (NM_001408492.1, NM_001408513.1, NM_001408489.1 and 9 more transcripts); c.644-1565T>G (NM_001408468.1, NM_001408465.1, NM_001408463.1 and 3 more transcripts); c.524-1565T>G (NM_001408501.1, NM_001408500.1, NM_001408497.1 and 3 more transcripts); and 43 more; short protein forms Y978*, Y931*, Y682*, Y911*, Y930*, Y937*, Y850*, Y867*.
Identifiers: ClinVar variation 37493 (VCV000037493.36), dbSNP rs80357115, ClinGen allele CA001915.
Genomic context (GRCh38, chr17:43,092,597, plus strand): 5'-CAGATTTTTCTTACATTTAGTTTTAACAAATGACTTGATGGGAAAAAGTGGTGGTATACG[A>C]TATGGGTTTTGTAAAAGTCCATGTTTATTTGGAGTAATGAGTCCAGTTTCGTTGCCTCTG-3'

ClinVar aggregate classification (germline): Pathogenic. Review status: reviewed by expert panel (3 of 4 stars). 15 submissions from 15 submitters: Pathogenic (1). 14 of the submissions do not count toward it. Last evaluated 2016-09-08.

Conditions:
Hereditary cancer-predisposing syndrome. Also called: Tumor predisposition; Neoplastic Syndromes, Hereditary; Hereditary Cancer Syndrome; Hereditary neoplastic syndrome. Identifiers: Orphanet 140162, MedGen C0027672, MeSH D009386, MONDO:0015356.
Hereditary breast ovarian cancer syndrome. Also called: Hereditary breast and ovarian cancer syndrome (HBOC); Hereditary breast and ovarian cancer syndrome; Hereditary breast and ovarian cancer; Hereditary breast and/or ovarian cancer syndrome; Breast and ovarian cancer; BRCA1- and BRCA2-Associated Hereditary Breast and Ovarian Cancer. Identifiers: Orphanet 145, MedGen C0677776, MeSH D061325, MONDO:0003582. Disease mechanism: loss of function.
Breast-ovarian cancer, familial, susceptibility to, 1 (BROVCA1). Also called: OVARIAN CANCER, SUSCEPTIBILITY TO; BRCA1 Hereditary Breast and Ovarian Cancer. Identifiers: Orphanet 145, MedGen C2676676, MONDO:0011450, OMIM 604370. Disease mechanism: loss of function.
Malignant tumor of breast. Also called: Malignant breast neoplasm; Cancer breast. Identifiers: MedGen C0006142, MONDO:0007254. Disease mechanism: loss of function.

Allele frequency attached by ClinVar (database versions not stated): gnomAD exomes below 0.00001.

Submissions 1 to 8 of 15:

Evidence-based Network for the Interpretation of Germline Mutant Alleles (ENIGMA)
Classification: Pathogenic for Breast-ovarian cancer, familial, susceptibility to, 1. Last evaluated: 2016-09-08. Review status: reviewed by expert panel. Criteria: ENIGMA BRCA1/2 Classification Criteria (2015). Collection method: curation. Allele origin: germline.
Comment: Variant allele predicted to encode a truncated non-functional protein.

Labcorp Genetics (formerly Invitae), Labcorp
Classification: Pathogenic for Hereditary breast ovarian cancer syndrome. Last evaluated: 2026-01-06. Review status: criteria provided, single submitter. Criteria: Invitae Variant Classification Sherloc (09022015). Collection method: clinical testing. Allele origin: germline. Not counted in ClinVar's aggregate classification.
Comment: This sequence change creates a premature translational stop signal (p.Tyr978*) in the BRCA1 gene. It is expected to result in an absent or disrupted protein product. Loss-of-function variants in BRCA1 are known to be pathogenic (PMID: 20104584). This variant is not present in population databases (gnomAD no frequency). This premature translational stop signal has been observed in individual(s) with breast and ovarian cancer (PMID: 9667663, 11493753, 17591843, 22399190). This variant is also known as 3053T>G and Tyr1017ter. ClinVar contains an entry for this variant (Variation ID: 37493). For these reasons, this variant has been classified as Pathogenic.

Variantyx, Inc.
Classification: Pathogenic for Breast-ovarian cancer, familial, susceptibility to, 1. Last evaluated: 2025-08-04. Review status: criteria provided, single submitter. Criteria: Variantyx Assertion Criteria 2022. Collection method: clinical testing. Allele origin: germline. Inheritance: Autosomal dominant inheritance. Not counted in ClinVar's aggregate classification.
Comment: This is a nonsense variant in the BRCA1 gene (OMIM: 113705). Pathogenic variants in this gene have been associated with autosomal dominant susceptibility to familial breast-ovarian cancer 1. This variant introduces a premature termination codon in exon 10 out of 23 and is expected to result in loss of function, which is a known disease mechanism for BRCA1 (PMID:11157798;20104584) (PVS1). It has been has been reported in numerous individuals with a diagnosis of Hereditary Breast and Ovarian Cancer (PMID:9667663, 11493753, 17591843, 22399190). This is a protein termination codon (PTC) variant in an exon where a different proven pathogenic PTC variant has been previously reported in similarly affected individuals (ENIGMA ClinGen Variant Curation Expert Panel (VCEP)) (PM5_Strong). It has a 0.0003% maximum allele frequency in non-founder control populations (PM2). Other reputable laboratories have reported this variant as pathogenic or likely pathogenic, and this classification has been validated by an expert panel in ClinVar (PP5). Based on the current evidence, this variant is classified as pathogenic for autosomal dominant susceptibility to familial breast-ovarian cancer 1.

Ambry Genetics
Classification: Pathogenic for Hereditary cancer-predisposing syndrome. Last evaluated: 2024-07-17. Review status: criteria provided, single submitter. Criteria: Ambry Variant Classification Scheme 2023. Collection method: clinical testing. Allele origin: germline. Not counted in ClinVar's aggregate classification.
Comment: The p.Y978* pathogenic mutation (also known as c.2934T>G), located in coding exon 9 of the BRCA1 gene, results from a T to G substitution at nucleotide position 2934. This changes the amino acid from a tyrosine to a stop codon within coding exon 9. This mutation has been reported in numerous individuals or families with breast and/or ovarian cancer (Theodor L et al. Br. J. Cancer. 1998 Jun;77:1880-3; Shiri-Sverdlov R et al. Hum. Mutat. 2000 Dec;16:491-501; Risch HA et al. J. Natl. Cancer Inst. 2006 Dec;98:1694-706; Zhang S et al. Gynecol Oncol. 2011 May;121:353-7; Bernstein-Molho R et al. Breast Cancer Res Treat. 2018 02;167:697-702; Bhaskaran SP et al. Int J Cancer. 2019 08;145:962-973; Laitman Y et al. Hum Mutat. 2019 11;40:e1-e23). Two unrelated non-Ashkenazi Jewish ovarian cancer families carrying the p.Y978* alteration were found to share identical haplotypes, indicating a founder effect (Theodor L et al. Br. J. Cancer. 1998 Jun;77(11):1880-3). Of note, this alteration is also known as 3053T>G in published literature. This variant was not reported in population-based cohorts in the Genome Aggregation Database (gnomAD). In addition to the clinical data presented in the literature, this alteration is expected to result in loss of function by premature protein truncation or nonsense-mediated mRNA decay. As such, this alteration is interpreted as a disease-causing mutation.

Baylor Genetics
Classification: Pathogenic for Breast-ovarian cancer, familial, susceptibility to, 1. Last evaluated: 2024-01-22. Review status: criteria provided, single submitter. Criteria: ACMG Guidelines, 2015. Collection method: clinical testing. Allele origin: unknown. Not counted in ClinVar's aggregate classification.

Quest Diagnostics Nichols Institute San Juan Capistrano
Classification: Pathogenic. Last evaluated: 2023-04-13. Review status: criteria provided, single submitter. Criteria: Quest Diagnostics criteria. Collection method: clinical testing. Allele origin: unknown. Not counted in ClinVar's aggregate classification.
Comment: This nonsense variant causes the premature termination of BRCA1 protein synthesis. This variant has not been reported in large, multi-ethnic general populations. In the published literature, the variant has been reported in affected individuals with breast and/or ovarian cancer (PMID: 30702160 (2019), 30322717 (2018), 30014164 (2018), 29086229 (2018), 21324516 (2011), and 17591843 (2007)). Based on the available information, this variant is classified as pathogenic.

GeneDx
Classification: Pathogenic. Last evaluated: 2022-12-27. Review status: criteria provided, single submitter. Criteria: GeneDx Variant Classification Process June 2021. Collection method: clinical testing. Allele origin: germline. Affected: yes. Not counted in ClinVar's aggregate classification.
Comment: Nonsense variant predicted to result in protein truncation or nonsense mediated decay in a gene for which loss-of-function is a known mechanism of disease; Observed in individuals with familial breast/ovarian cancer and is considered to be a common pathogenic variant in individuals of Jewish (non-Ashkenazi) ancestry in Iraq and other middle Eastern countries (Theodor et al., 1998; Shiri-Sverdlov et al., 2001; Quintana-Murci et al., 2005; Hall et al., 2009; Laitman et al., 2012); Not observed at significant frequency in large population cohorts (gnomAD); Truncating variants in this gene are considered pathogenic by a well-established clinical consortium and/or database; Also known as 3053T>G; This variant is associated with the following publications: (PMID: 11493753, 11102978, 21913181, 25525159, 29335924, 34657373, 33754277, 26681312, 22430266, 21324516, 17591843, 22399190, 15951957, 19241424, 21305653, 11304778, 21063910, 16140926, 25452441, 26187060, 17148771, 19370767, 18703817, 25788227, 26556299, 26295337, 11139249, 9667663, 17020472, 29310832, 29086229, 34022715, 32843487, 30702160, 30322717, 31825140, 29446198, 36385461, 34157778)

Color Diagnostics, LLC DBA Color Health
Classification: Pathogenic for Hereditary cancer-predisposing syndrome. Last evaluated: 2022-01-24. Review status: criteria provided, single submitter. Criteria: ACMG Guidelines, 2015. Collection method: clinical testing. Allele origin: germline. Not counted in ClinVar's aggregate classification.
Comment: This variant changes 1 nucleotide in exon 10 of the BRCA1 gene, creating a premature translation stop signal. This variant is expected to result in an absent or non-functional protein product. This variant has been reported in individuals affected with breast and ovarian cancer (PMID: 21324516, 22399190, 25452441, 26681312). This variant has not been identified in the general population by the Genome Aggregation Database (gnomAD). Loss of BRCA1 function is a known mechanism of disease. Based on the available evidence, this variant is classified as Pathogenic.